The following is an entry in ClinVar:

ClinVar aggregate classification (germline): Likely benign. Review status: criteria provided, multiple submitters, no conflicts (2 of 4 stars). 3 submissions from 3 submitters: Likely benign (3). Last evaluated 2026-01-25.

Conditions:
Inborn genetic diseases. Identifiers: MedGen C0950123, MeSH D030342.
Autosomal recessive spastic paraplegia type 78. Identifiers: Orphanet 513436, MedGen C5567893, MONDO:0014975, OMIM 617225.
Kufor-Rakeb syndrome (KRS). Also called: PARKINSON DISEASE 9, AUTOSOMAL RECESSIVE, JUVENILE-ONSET. Identifiers: Orphanet 306674, Orphanet 314632, MedGen C1847640, MONDO:0011706, OMIM 606693.

Allele frequency attached by ClinVar (database versions not stated): ExAC 0.00003; gnomAD exomes 0.00004; gnomAD 0.00013 and 0.00015; ESP Exome Variant Server 0.00015; 1000 Genomes Project 30x 0.00016; TOPMed 0.00018; 1000 Genomes Project 0.00020.

Submissions (3):

Labcorp Genetics (formerly Invitae), Labcorp
Classification: Likely benign for Kufor-Rakeb syndrome; Autosomal recessive spastic paraplegia type 78. Last evaluated: 2026-01-25. Review status: criteria provided, single submitter. Criteria: Invitae Variant Classification Sherloc (09022015). Collection method: clinical testing. Allele origin: germline.

Mayo Clinic Laboratories, Mayo Clinic
Classification: Likely benign. Last evaluated: 2025-03-31. Review status: criteria provided, single submitter. Criteria: ACMG Guidelines, 2015. Collection method: clinical testing. Allele origin: germline. Observed: 1 variant allele.
Comment: BP4, BP7

Ambry Genetics
Classification: Likely benign for Inborn genetic diseases. Last evaluated: 2017-10-13. Review status: criteria provided, single submitter. Criteria: Ambry Variant Classification Scheme 2023. Collection method: clinical testing. Allele origin: germline.

NM_022089.4(ATP13A2):c.3327G>A (p.Arg1109=)

Gene: ATP13A2 (ATPase cation transporting 13A2; minus strand). Cytogenetic location: 1p36.13.
Variant type: single nucleotide variant.
Coding change: c.3327G>A on transcript NM_022089.4 (MANE Select); coding-DNA position 3327, G replaced by A.
Protein change: p.Arg1109=; no amino-acid change (arginine 1109 retained).
Molecular consequence: synonymous variant. On other transcripts: intron variant (1).
Genome position (GRCh38, 1-based): chr1:16,986,541, C>T on the plus strand (G>A on the coding strand, the complement: ATP13A2 is on the minus strand). VCF-style: chr1-16986541-C-T. GRCh37 (hg19) VCF-style: chr1-17313036-C-T.
Other names: p.Arg1109=; c.3312G>A, p.Arg1104= (NM_001141973.3); c.3104-183G>A (NM_001141974.3).
Identifiers: ClinVar variation 705760 (VCV000705760.11), dbSNP rs112261486, ClinGen allele CA636525.